The following is an entry in ClinVar:

ClinVar aggregate classification (germline): Conflicting classifications of pathogenicity. Review status: criteria provided, conflicting classifications (1 of 4 stars). 8 submissions from 8 submitters: Uncertain significance (4); Likely benign (3). 1 of the submissions does not count toward it. Last evaluated 2025-07-05.

Conditions:
Hereditary cancer-predisposing syndrome. Also called: Tumor predisposition; Hereditary neoplastic syndrome; Neoplastic Syndromes, Hereditary; Hereditary Cancer Syndrome. Identifiers: Orphanet 140162, MedGen C0027672, MeSH D009386, MONDO:0015356.
BRCA2-related disorder. Also called: BRCA2-related condition; BRCA2-related disorders. Identifiers: MedGen CN239275.
Hereditary breast ovarian cancer syndrome. Also called: Hereditary breast and ovarian cancer; BRCA1- and BRCA2-Associated Hereditary Breast and Ovarian Cancer; Hereditary breast and/or ovarian cancer syndrome; Hereditary breast and ovarian cancer syndrome; Hereditary breast and ovarian cancer syndrome (HBOC); Breast and ovarian cancer. Identifiers: Orphanet 145, MedGen C0677776, MeSH D061325, MONDO:0003582. Disease mechanism: loss of function.
Breast-ovarian cancer, familial, susceptibility to, 2 (BROVCA2). Also called: BRCA2 Hereditary Breast and Ovarian Cancer. Identifiers: Orphanet 145, MedGen C2675520, MONDO:0012933, OMIM 612555. Disease mechanism: loss of function.

Allele frequency attached by ClinVar (database versions not stated): TOPMed 0.00002; ESP Exome Variant Server 0.00008.
gnomAD v4.1: 2 of 1,613,912 alleles (0.00012%); highest among the groups gnomAD compares: African/African-American, 0.0013%; no homozygotes.

Submissions (8):

Color Diagnostics, LLC DBA Color Health
Classification: Uncertain significance for Hereditary cancer-predisposing syndrome. Last evaluated: 2025-07-05. Review status: criteria provided, single submitter. Criteria: ACMG Guidelines, 2015. Collection method: clinical testing. Allele origin: germline.
Comment: This missense variant replaces aspartic acid with glutamic acid at codon 1911 of the BRCA2 protein. Computational prediction suggests that this variant may not impact protein structure and function. To our knowledge, functional studies have not been reported for this variant. This variant has not been reported in individuals affected with hereditary cancer in the literature. This variant has not been identified in the general population by the Genome Aggregation Database (gnomAD). The available evidence is insufficient to determine the role of this variant in disease conclusively. Therefore, this variant is classified as a Variant of Uncertain Significance.

Labcorp Genetics (formerly Invitae), Labcorp
Classification: Uncertain significance for Hereditary breast ovarian cancer syndrome. Last evaluated: 2025-05-21. Review status: criteria provided, single submitter. Criteria: Invitae Variant Classification Sherloc (09022015). Collection method: clinical testing. Allele origin: germline.
Comment: This sequence change replaces aspartic acid, which is acidic and polar, with glutamic acid, which is acidic and polar, at codon 1911 of the BRCA2 protein (p.Asp1911Glu). This variant is not present in population databases (gnomAD no frequency). This variant has not been reported in the literature in individuals affected with BRCA2-related conditions. ClinVar contains an entry for this variant (Variation ID: 220409). Invitae Evidence Modeling of protein sequence and biophysical properties (such as structural, functional, and spatial information, amino acid conservation, physicochemical variation, residue mobility, and thermodynamic stability) indicates that this missense variant is not expected to disrupt BRCA2 protein function with a negative predictive value of 95%. In summary, the available evidence is currently insufficient to determine the role of this variant in disease. Therefore, it has been classified as a Variant of Uncertain Significance.

Women's Health and Genetics/Laboratory Corporation of America, LabCorp
Classification: Uncertain significance. Last evaluated: 2024-12-10. Review status: criteria provided, single submitter. Criteria: LabCorp Variant Classification Summary - May 2015. Collection method: clinical testing. Allele origin: germline.
Comment: Variant summary: BRCA2 c.5733T>G (p.Asp1911Glu) results in a conservative amino acid change in the encoded protein sequence. Five of five in-silico tools predict a benign effect of the variant on protein function. The variant was absent in 250918 control chromosomes. The available data on variant occurrences in the general population are insufficient to allow any conclusion about variant significance. To our knowledge, no occurrence of c.5733T>G in individuals affected with Hereditary Breast And Ovarian Cancer Syndrome and no experimental evidence demonstrating its impact on protein function have been reported. ClinVar contains an entry for this variant (Variation ID: 220409). Based on the evidence outlined above, the variant was classified as uncertain significance.

Mendelics
Classification: Likely benign. Last evaluated: 2024-02-26. Review status: criteria provided, single submitter. Criteria: Mendelics Assertion Criteria 2019. Collection method: clinical testing. Allele origin: germline.
Comment: This variant is considered likely benign or benign based on one or more of the following: it is predicted to be benign by multiple in silico algorithms, and/or has population frequency not consistent with disease, and/or has normal protein function, and/or has lack of segregation with disease, and/or has been detected in co-occurrence with known pathogenic variant, and/or has lack of disease association in case-control studies, and/or is located in a region inconsistent with a known cause of pathogenicity.

All of Us Research Program, National Institutes of Health
Classification: Uncertain significance for Breast-ovarian cancer, familial, susceptibility to, 2. Last evaluated: 2023-05-15. Review status: criteria provided, single submitter. Criteria: ACMG Guidelines, 2015. Collection method: clinical testing. Allele origin: germline. Inheritance: Autosomal dominant inheritance. Observed: 1 variant allele, 1 heterozygote.
Comment: This missense variant replaces aspartic acid with glutamic acid at codon 1911 of the BRCA2 protein. Computational prediction suggests that this variant may not impact protein structure and function (internally defined REVEL score threshold <= 0.5, PMID: 27666373). To our knowledge, functional studies have not been reported for this variant. This variant has not been reported in individuals affected with hereditary cancer in the literature. This variant has not been identified in the general population by the Genome Aggregation Database (gnomAD). The available evidence is insufficient to determine the role of this variant in disease conclusively. Therefore, this variant is classified as a Variant of Uncertain Significance.

This study involves interpretation of variants in research participants for the purpose of population health screening. Participant phenotype was not available at the time of variant classification. Additional details can be found in publication PMID: 35346344, PMCID: PMC8962531

University of Washington Department of Laboratory Medicine, University of Washington
Classification: Likely benign for Hereditary cancer-predisposing syndrome. Last evaluated: 2023-03-23. Review status: criteria provided, single submitter. Criteria: Dines et al. (Genet Med. 2020). Collection method: curation. Allele origin: germline.
Comment: Missense variant in a coldspot region where missense variants are very unlikely to be pathogenic (PMID:31911673).

BRCA2 exon 11 coldspot. Reclassification based on statistical prior probability.

Ambry Genetics
Classification: Likely benign for Hereditary cancer-predisposing syndrome. Last evaluated: 2018-12-27. Review status: criteria provided, single submitter. Criteria: Ambry Variant Classification Scheme 2023. Collection method: clinical testing. Allele origin: germline.

PreventionGenetics, part of Exact Sciences
Classification: Uncertain significance for BRCA2-related condition. Last evaluated: 2024-09-23. Review status: no assertion criteria provided. Collection method: clinical testing. Allele origin: germline. Not counted in ClinVar's aggregate classification.
Comment: The BRCA2 c.5733T>G variant is predicted to result in the amino acid substitution p.Asp1911Glu. To our knowledge, this variant has not been reported in the literature or in a large population database, indicating this variant is rare. This variant occurs within a region of the BRCA2 gene that is predicted to be tolerant to missense variation (Table 2, Dines et al. 2020. PubMed ID: 31911673). This variant has conflicting interpretations of pathogenicity in ClinVar ranging from benign to uncertain. At this time, the clinical significance of this variant is uncertain due to the absence of conclusive functional and genetic evidence.

NM_000059.4(BRCA2):c.5733T>G (p.Asp1911Glu)

Gene: BRCA2 (BRCA2 DNA repair associated; plus strand). Cytogenetic location: 13q13.1.
Variant type: single nucleotide variant.
Coding change: c.5733T>G on transcript NM_000059.4 (MANE Select); coding-DNA position 5733, T replaced by G.
Protein change: p.Asp1911Glu; replaces aspartic acid 1911 with glutamic acid.
Molecular consequence: missense variant.
Genome position (GRCh38, 1-based): chr13:32,340,088, T>G. VCF-style: chr13-32340088-T-G. GRCh37 (hg19) VCF-style: chr13-32914225-T-G.
Other names: short protein forms D1911E.
Identifiers: ClinVar variation 220409 (VCV000220409.26), dbSNP rs367823201, ClinGen allele CA348336.